The following is an entry in ClinVar:

ClinVar aggregate classification (germline): Likely benign (1 of 4 stars; one submission).

Allele frequency attached by ClinVar (database versions not stated): gnomAD 0.00002.

Submission:

CeGaT Center for Human Genetics Tuebingen
Classification: Likely benign. Last evaluated: 2023-08-01. Review status: criteria provided, single submitter. Criteria: CeGaT Center For Human Genetics Tuebingen Variant Classification Criteria Version 2. Collection method: clinical testing. Allele origin: germline. Affected: yes. Observed: 1 variant allele.
Comment: MUC4: BP4, BP7

NM_018406.7(MUC4):c.7710C>T (p.Ser2570=)

Gene: MUC4 (mucin 4, cell surface associated). Cytogenetic location: 3q29.
Variant type: single nucleotide variant.
Coding change: c.7710C>T on transcript NM_018406.7 (MANE Select); coding-DNA position 7710, C replaced by T.
Protein change: p.Ser2570=; no amino-acid change (serine 2570 retained).
Molecular consequence: synonymous variant. On other transcripts: genic upstream transcript variant (2).
Genome position (GRCh38, 1-based): chr3:195,783,870, G>A on the plus strand (C>T on the coding strand, the complement: MUC4 is on the minus strand). VCF-style: chr3-195783870-G-A. GRCh37 (hg19) VCF-style: chr3-195510741-G-A.
Other names: c.11085C>T, p.Ser3695= (NM_001322468.1); c.83-9565C>T (NM_138297.5); c.83-5415C>T (NM_004532.6).
Identifiers: ClinVar variation 2654462 (VCV002654462.24), dbSNP rs754054527, ClinGen allele CA438039518.